The following is an entry in ClinVar:

NM_001278116.2(L1CAM):c.2449G>C (p.Glu817Gln)

Gene: L1CAM (L1 cell adhesion molecule; minus strand). Cytogenetic location: Xq28.
Variant type: single nucleotide variant.
Coding change: c.2449G>C on transcript NM_001278116.2 (MANE Select); coding-DNA position 2449, G replaced by C.
Protein change: p.Glu817Gln; replaces glutamic acid 817 with glutamine.
Molecular consequence: missense variant.
Genome position (GRCh38, 1-based): chrX:153,865,802, C>G on the plus strand (G>C on the coding strand, the complement: L1CAM is on the minus strand). VCF-style: chrX-153865802-C-G. GRCh37 (hg19) VCF-style: chrX-153131257-C-G.
Other names: c.2449G>C, p.Glu817Gln (NM_000425.5, NM_024003.3); c.2434G>C, p.Glu812Gln (NM_001143963.2); short protein forms E817Q, E812Q.
Identifiers: ClinVar variation 3636362 (VCV003636362.2).
Genomic context (GRCh38, chrX:153,865,802, plus strand): 5'-CCACCGGCCGCCACTTGACCAGCACGGCACTTGAGTTGAGGATTTCAATGCCTTCCAGCT[C>G]AGGGATTGCCTGGGGGTCTGGAAACCACCAGTGACTTGGATAGAGCCATAGGCTCTCACC-3'
Protein context (NP_001265045.1, residues 807-827): SGEDYPQAIP[Glu817Gln]LEGIEILNSS

ClinVar aggregate classification (germline): Uncertain significance (1 of 4 stars; one submission).

Conditions:
Spastic paraplegia. Identifiers: MedGen C0037772, HP:0001258.

Submission:

Labcorp Genetics (formerly Invitae), Labcorp
Classification: Uncertain significance for Spastic paraplegia. Last evaluated: 2024-02-20. Review status: criteria provided, single submitter. Criteria: Invitae Variant Classification Sherloc (09022015). Collection method: clinical testing. Allele origin: germline.
Comment: This sequence change replaces glutamic acid, which is acidic and polar, with glutamine, which is neutral and polar, at codon 817 of the L1CAM protein (p.Glu817Gln). This variant is not present in population databases (gnomAD no frequency). This variant has not been reported in the literature in individuals affected with L1CAM-related conditions. Advanced modeling of protein sequence and biophysical properties (such as structural, functional, and spatial information, amino acid conservation, physicochemical variation, residue mobility, and thermodynamic stability) performed at Invitae indicates that this missense variant is not expected to disrupt L1CAM protein function with a negative predictive value of 95%. In summary, the available evidence is currently insufficient to determine the role of this variant in disease. Therefore, it has been classified as a Variant of Uncertain Significance.